The following is an entry in ClinVar:

ClinVar aggregate classification (germline): Uncertain significance (1 of 4 stars; one submission).

Conditions:
Pulmonary fibrosis and/or bone marrow failure, Telomere-related, 4. Also called: PULMONARY FIBROSIS AND/OR BONE MARROW FAILURE SYNDROME, TELOMERE-RELATED, 4. Identifiers: Orphanet 2032, MedGen C4225347, MONDO:0014612, OMIM 616371.

Submission:

University of Washington Department of Laboratory Medicine, University of Washington
Classification: Uncertain significance for Pulmonary fibrosis and/or bone marrow failure, Telomere-related, 4. Last evaluated: 2021-10-27. Review status: criteria provided, single submitter. Criteria: ACMG Guidelines, 2015. Collection method: clinical testing. Allele origin: unknown. Affected: yes.
Comment: The c.-142G>T variant in the PARN gene has not been previously reported in association with disease and has been identified in 2/31402 chromosomes by the Genome Aggregation Database. The c.-142G>T variant is located in a highly conserved region at the 5' end of the untranslated first exon of the the PARN gene. A different variant in the 5' untranslated region (c.-63C>T) has been been previously reported in trans with a nonsense variant in an individual with Hoyeraal-Hreidarsson syndrome (Burris 2016), suggesting regulatory variants in the PARN gene may contribute to disease. Using ACMG guidelines, this variant was classified as a variant of uncertain significance (ACMG evidence codes used: PM2_supporting).

NM_002582.3(PARN):c.-142G>T

Gene: PARN (poly(A)-specific ribonuclease; minus strand). Cytogenetic location: 16p13.12.
Variant type: single nucleotide variant.
Coding change: c.-142G>T on transcript NM_002582.3; 142 bases upstream of the start codon, G replaced by T.
Genome position (GRCh38, 1-based): chr16:14,630,267, C>A on the plus strand (G>T on the coding strand, the complement: PARN is on the minus strand). VCF-style: chr16-14630267-C-A. GRCh37 (hg19) VCF-style: chr16-14724124-C-A.
Identifiers: ClinVar variation 3777101 (VCV003777101.1).